The following is an entry in ClinVar:

ClinVar aggregate classification (germline): Uncertain significance (1 of 4 stars; one submission).

Conditions:
Inborn genetic diseases. Identifiers: MedGen C0950123, MeSH D030342.

gnomAD v4.1: 1 of 1,614,056 alleles (0.000062%); highest among the groups gnomAD compares: Non-Finnish European, 0.000085%; no homozygotes.

Submission:

Ambry Genetics
Classification: Uncertain significance for Inborn genetic diseases. Last evaluated: 2025-11-01. Review status: criteria provided, single submitter. Criteria: Ambry Variant Classification Scheme 2023. Collection method: clinical testing. Allele origin: germline.
Comment: The p.K225T variant (also known as c.674A>C), located in coding exon 6 of the CEP57 gene, results from an A to C substitution at nucleotide position 674. The lysine at codon 225 is replaced by threonine, an amino acid with similar properties. This amino acid position is conserved. In addition, this alteration is predicted to be deleterious by in silico analysis. Based on the available evidence, the clinical significance of this variant remains unclear.

NM_014679.5(CEP57):c.674A>C (p.Lys225Thr)

Gene: CEP57 (centrosomal protein 57; plus strand). Cytogenetic location: 11q21.
Variant type: single nucleotide variant.
Coding change: c.674A>C on transcript NM_014679.5 (MANE Select); coding-DNA position 674, A replaced by C.
Protein change: p.Lys225Thr; replaces lysine 225 with threonine.
Molecular consequence: missense variant.
Genome position (GRCh38, 1-based): chr11:95,818,879, A>C. VCF-style: chr11-95818879-A-C. GRCh37 (hg19) VCF-style: chr11-95552043-A-C.
Other names: c.647A>C, p.Lys216Thr (NM_001243776.2); c.674A>C, p.Lys225Thr (NM_001243777.2, NM_001440871.1, NM_001440874.1); c.593A>C, p.Lys198Thr (NM_001363604.2, NM_001440869.1, NM_001440870.1 and 1 more transcripts); c.557A>C, p.Lys186Thr (NM_001440872.1, NM_001440876.1, NM_001440879.1 and 1 more transcripts); c.494A>C, p.Lys165Thr (NM_001440873.1); c.476A>C, p.Lys159Thr (NM_001440877.1, NM_001440878.1); c.413A>C, p.Lys138Thr (NM_001440880.1); c.377A>C, p.Lys126Thr (NM_001440881.1); short protein forms K165T, K186T, K138T, K159T, K225T, K126T, K198T, K216T.
Identifiers: ClinVar variation 4613586 (VCV004613586.1).
Genomic context (GRCh38, chr11:95,818,879, plus strand): 5'-ATCACTAGAAAAAAATGCAAGAGTTGGAAGCAAAACTCCATGAAGAAGAACAGGAAAGGA[A>C]ACGCATGCAAGCTAAGGCAGCTGAGGTAAGTTAAAATGTGAGAAAGTGGGCTCTTCATAT-3'
Protein context (NP_055494.2, residues 215-235): AKLHEEEQER[Lys225Thr]RMQAKAAELQ